The following is an entry in ClinVar:

NM_001174147.2(LMX1B):c.725C>A (p.Ser242Ter)

Gene: LMX1B (LIM homeobox transcription factor 1 beta; plus strand). Cytogenetic location: 9q33.3.
Variant type: single nucleotide variant.
Coding change: c.725C>A on transcript NM_001174147.2 (MANE Select); coding-DNA position 725, C replaced by A.
Protein change: p.Ser242Ter; replaces serine 242 with a stop codon.
Molecular consequence: nonsense.
Genome position (GRCh38, 1-based): chr9:126,693,307, C>A. VCF-style: chr9-126693307-C-A. GRCh37 (hg19) VCF-style: chr9-129455586-C-A.
Other names: c.725C>A, p.Ser242Ter (NM_001174146.2, NM_002316.4); c.725C>A (NM_002316.3); short protein forms S242*.
Identifiers: ClinVar variation 3720901 (VCV003720901.3).
Genomic context (GRCh38, chr9:126,693,307, plus strand): 5'-CCCGGACCATCCTCACCACGCAGCAGCGAAGAGCCTTCAAGGCCTCCTTCGAGGTCTCGT[C>A]GAAGCCTTGCCGAAAGGTGAGGGGCGGCCGGGGGGCGGGGCTCAGGCTGATGCCCGCACA-3'

ClinVar aggregate classification (germline): Pathogenic. Review status: criteria provided, multiple submitters, no conflicts (2 of 4 stars). 2 submissions from 2 submitters: Pathogenic (2). Last evaluated 2026-02-12.

Submissions (2):

GeneDx
Classification: Pathogenic. Last evaluated: 2026-02-12. Review status: criteria provided, single submitter. Criteria: GeneDx Variant Classification Process June 2021. Collection method: clinical testing. Allele origin: germline.
Comment: Identified in patients with clinical features consistent with a LMX1B-related disorder referred for genetic testing at GeneDx and in published literature (PMID: 15498463); Nonsense variant predicted to result in protein truncation or nonsense mediated decay in a gene for which loss of function is a known mechanism of disease; Not observed at significant frequency in large population cohorts (gnomAD); This variant is associated with the following publications: (PMID: 15498463)

Labcorp Genetics (formerly Invitae), Labcorp
Classification: Pathogenic. Last evaluated: 2024-10-17. Review status: criteria provided, single submitter. Criteria: Invitae Variant Classification Sherloc (09022015). Collection method: clinical testing. Allele origin: germline.
Comment: This sequence change creates a premature translational stop signal (p.Ser242*) in the LMX1B gene. It is expected to result in an absent or disrupted protein product. Loss-of-function variants in LMX1B are known to be pathogenic (PMID: 9590287, 15498463). This variant is not present in population databases (gnomAD no frequency). This premature translational stop signal has been observed in individual(s) with nail-patella syndrome (PMID: 15498463). For these reasons, this variant has been classified as Pathogenic.

Literature cited by the submitters: PubMed 9590287 (cited by Labcorp Genetics (formerly Invitae), Labcorp); PubMed 15498463 (cited by Labcorp Genetics (formerly Invitae), Labcorp).